The following is an entry in ClinVar:

NM_015836.4(WARS2):c.1010T>C (p.Ile337Thr)

Gene: WARS2 (tryptophanyl tRNA synthetase 2, mitochondrial; minus strand). Cytogenetic location: 1p12.
Variant type: single nucleotide variant.
Coding change: c.1010T>C on transcript NM_015836.4 (MANE Select); coding-DNA position 1010, T replaced by C.
Protein change: p.Ile337Thr; replaces isoleucine 337 with threonine.
Molecular consequence: missense variant. On other transcripts: 3 prime UTR variant (2).
Genome position (GRCh38, 1-based): chr1:119,032,984, A>G on the plus strand (T>C on the coding strand, the complement: WARS2 is on the minus strand). VCF-style: chr1-119032984-A-G. GRCh37 (hg19) VCF-style: chr1-119575607-A-G.
Other names: c.941T>C, p.Ile314Thr (NM_001378226.1, NM_001378227.1); c.839T>C, p.Ile280Thr (NM_001378228.1); c.752T>C, p.Ile251Thr (NM_001378229.1); c.728T>C, p.Ile243Thr (NM_001378230.1); c.*345T>C (NM_001378231.1); c.*376T>C (NM_201263.2); short protein forms I314T, I337T, I251T, I243T, I280T.
Identifiers: ClinVar variation 2169444 (VCV002169444.1), dbSNP rs1448970558, ClinGen allele CA341436158.

ClinVar aggregate classification (germline): Uncertain significance (1 of 4 stars; one submission).

Allele frequency attached by ClinVar (database versions not stated): gnomAD 0.00001; TOPMed 0.00001.
gnomAD v4.1: 4 of 1,614,104 alleles (0.00025%); highest among the groups gnomAD compares: African/African-American, 0.0027%; no homozygotes.

Submission:

Labcorp Genetics (formerly Invitae), Labcorp
Classification: Uncertain significance. Last evaluated: 2022-08-02. Review status: criteria provided, single submitter. Criteria: Invitae Variant Classification Sherloc (09022015). Collection method: clinical testing. Allele origin: germline.
Comment: This sequence change replaces isoleucine, which is neutral and non-polar, with threonine, which is neutral and polar, at codon 337 of the WARS2 protein (p.Ile337Thr). This variant is not present in population databases (gnomAD no frequency). This variant has not been reported in the literature in individuals affected with WARS2-related conditions. Algorithms developed to predict the effect of missense changes on protein structure and function output the following: SIFT: "Tolerated"; PolyPhen-2: "Benign"; Align-GVGD: "Class C0". The threonine amino acid residue is found in multiple mammalian species, which suggests that this missense change does not adversely affect protein function. In summary, the available evidence is currently insufficient to determine the role of this variant in disease. Therefore, it has been classified as a Variant of Uncertain Significance.